The following is an entry in ClinVar:

NM_001369.3(DNAH5):c.5583G>T (p.Gln1861His)

Gene: DNAH5 (dynein axonemal heavy chain 5; minus strand). Cytogenetic location: 5p15.2.
Variant type: single nucleotide variant.
Coding change: c.5583G>T on transcript NM_001369.3 (MANE Select); coding-DNA position 5583, G replaced by T.
Protein change: p.Gln1861His; replaces glutamine 1861 with histidine.
Molecular consequence: missense variant.
Genome position (GRCh38, 1-based): chr5:13,841,032, C>A on the plus strand (G>T on the coding strand, the complement: DNAH5 is on the minus strand). VCF-style: chr5-13841032-C-A. GRCh37 (hg19) VCF-style: chr5-13841141-C-A.
Other names: short protein forms Q1861H.
Identifiers: ClinVar variation 1748437 (VCV001748437.5), dbSNP rs756945139, ClinGen allele CA3203633.
Genomic context (GRCh38, chr5:13,841,032, plus strand): 5'-CGTGGAACTCAGATCCCTCGTGGTGACGTCTATCAATGTATTGAGTAGCTCCAGGAAAGC[C>A]TGATTAGTTTTCTGCATGATTTTTTTATCAAACTTGGCATTTCTAAGGGCTTCTTCTGAA-3'
Protein context (NP_001360.1, residues 1851-1871): FDKKIMQKTN[Gln1861His]AFLELLNTLI

ClinVar aggregate classification (germline): Conflicting classifications of pathogenicity. Review status: criteria provided, conflicting classifications (1 of 4 stars). 2 submissions from 2 submitters: Uncertain significance (1); Likely benign (1). Last evaluated 2025-06-30.

Conditions:
Primary ciliary dyskinesia. Also called: Ciliary dyskinesia. Identifiers: Orphanet 244, MedGen C0008780, MONDO:0016575, HP:0012265.

Allele frequency attached by ClinVar (database versions not stated): TOPMed below 0.00001; ExAC 0.00001; gnomAD exomes 0.00001.
gnomAD v4.1: 3 of 1,614,140 alleles (0.00019%); highest among the groups gnomAD compares: Admixed American, 0.005%; no homozygotes.

Submissions (2):

Labcorp Genetics (formerly Invitae), Labcorp
Classification: Likely benign for Primary ciliary dyskinesia. Last evaluated: 2025-06-30. Review status: criteria provided, single submitter. Criteria: Invitae Variant Classification Sherloc (09022015). Collection method: clinical testing. Allele origin: germline.

Ambry Genetics
Classification: Uncertain significance for Primary ciliary dyskinesia. Last evaluated: 2021-06-23. Review status: criteria provided, single submitter. Criteria: Ambry Variant Classification Scheme 2023. Collection method: clinical testing. Allele origin: germline.
Comment: The p.Q1861H variant (also known as c.5583G>T), located in coding exon 34 of the DNAH5 gene, results from a G to T substitution at nucleotide position 5583. The glutamine at codon 1861 is replaced by histidine, an amino acid with highly similar properties. This amino acid position is conserved. In addition, this alteration is predicted to be tolerated by in silico analysis. Since supporting evidence is limited at this time, the clinical significance of this alteration remains unclear.